The following is an entry in ClinVar:

ClinVar aggregate classification (germline): Uncertain significance (1 of 4 stars; one submission).

Conditions:
Loeys-Dietz syndrome 4 (LDS4). Also called: ANEURYSM, AORTIC AND CEREBRAL, WITH ARTERIAL TORTUOSITY AND SKELETAL MANIFESTATIONS; TGFB2-Related Loeys-Dietz Syndrome. Identifiers: MedGen C3553762, MONDO:0013897, OMIM 614816.

Submission:

Labcorp Genetics (formerly Invitae), Labcorp
Classification: Uncertain significance for Loeys-Dietz syndrome 4. Last evaluated: 2023-06-15. Review status: criteria provided, single submitter. Criteria: Invitae Variant Classification Sherloc (09022015). Collection method: clinical testing. Allele origin: germline.
Comment: This sequence change replaces cysteine, which is neutral and slightly polar, with arginine, which is basic and polar, at codon 350 of the TGFB2 protein (p.Cys350Arg). Advanced modeling of protein sequence and biophysical properties (such as structural, functional, and spatial information, amino acid conservation, physicochemical variation, residue mobility, and thermodynamic stability) performed at Invitae indicates that this missense variant is expected to disrupt TGFB2 protein function. This variant disrupts the p.Cys350 amino acid residue in TGFB2. Other variant(s) that disrupt this residue have been determined to be pathogenic (Invitae; external communication). This suggests that this residue is clinically significant, and that variants that disrupt this residue are likely to be disease-causing. ClinVar contains an entry for this variant (Variation ID: 1719422). This variant has not been reported in the literature in individuals affected with TGFB2-related conditions. This variant is not present in population databases (gnomAD no frequency). In summary, the available evidence is currently insufficient to determine the role of this variant in disease. Therefore, it has been classified as a Variant of Uncertain Significance.

NM_003238.6(TGFB2):c.1048T>C (p.Cys350Arg)

Gene: TGFB2 (transforming growth factor beta 2; plus strand). Cytogenetic location: 1q41.
Variant type: single nucleotide variant.
Coding change: c.1048T>C on transcript NM_003238.6 (MANE Select); coding-DNA position 1048, T replaced by C.
Protein change: p.Cys350Arg; replaces cysteine 350 with arginine.
Molecular consequence: missense variant. On other transcripts: non-coding transcript variant (2).
Genome position (GRCh38, 1-based): chr1:218,437,458, T>C. VCF-style: chr1-218437458-T-C. GRCh37 (hg19) VCF-style: chr1-218610800-T-C.
Other names: c.1132T>C, p.Cys378Arg (NM_001135599.4); short protein forms C350R, C378R.
Identifiers: ClinVar variation 1719422 (VCV001719422.5), dbSNP rs2464877839, ClinGen allele CA344727647.